The following is an entry in ClinVar:

NM_000548.5(TSC2):c.194G>A (p.Cys65Tyr)

Gene: TSC2 (TSC complex subunit 2; plus strand). Cytogenetic location: 16p13.3.
Variant type: single nucleotide variant.
Coding change: c.194G>A on transcript NM_000548.5 (MANE Select); coding-DNA position 194, G replaced by A.
Protein change: p.Cys65Tyr; replaces cysteine 65 with tyrosine.
Molecular consequence: missense variant. On other transcripts: 5 prime UTR variant (1).
Genome position (GRCh38, 1-based): chr16:2,050,455, G>A. VCF-style: chr16-2050455-G-A. GRCh37 (hg19) VCF-style: chr16-2100456-G-A.
Other names: c.194G>A, p.Cys65Tyr (NM_001077183.3, NM_001114382.3, NM_001318827.2 and 4 more transcripts); c.47G>A, p.Cys16Tyr (NM_001318829.2); c.-33G>A (NM_001318831.2); c.227G>A, p.Cys76Tyr (NM_001318832.2); short protein forms C16Y, C65Y, C76Y.
Identifiers: ClinVar variation 1053841 (VCV001053841.10), dbSNP rs1299377997, ClinGen allele CA394303471.

ClinVar aggregate classification (germline): Uncertain significance. Review status: criteria provided, multiple submitters, no conflicts (2 of 4 stars). 2 submissions from 2 submitters: Uncertain significance (2). Last evaluated 2022-05-09.

Conditions:
Tuberous sclerosis 2 (TSC2). Identifiers: Orphanet 805, MedGen C1860707, MONDO:0013199, OMIM 613254.

Submissions (2):

Blueprint Genetics
Classification: Uncertain significance. Last evaluated: 2022-05-09. Review status: criteria provided, single submitter. Criteria: ACMG Guidelines, 2015. Collection method: clinical testing. Allele origin: germline.

Labcorp Genetics (formerly Invitae), Labcorp
Classification: Uncertain significance for Tuberous sclerosis 2. Last evaluated: 2020-08-30. Review status: criteria provided, single submitter. Criteria: Invitae Variant Classification Sherloc (09022015). Collection method: clinical testing. Allele origin: germline.
Comment: This sequence change replaces cysteine with tyrosine at codon 65 of the TSC2 protein (p.Cys65Tyr). The cysteine residue is highly conserved and there is a large physicochemical difference between cysteine and tyrosine. This variant is not present in population databases (ExAC no frequency). This variant has not been reported in the literature in individuals with TSC2-related conditions. Advanced modeling of protein sequence and biophysical properties (such as structural, functional, and spatial information, amino acid conservation, physicochemical variation, residue mobility, and thermodynamic stability) performed at Invitae indicates that this missense variant is not expected to disrupt TSC2 protein function. In summary, the available evidence is currently insufficient to determine the role of this variant in disease. Therefore, it has been classified as a Variant of Uncertain Significance.